The following is an entry in ClinVar:

ClinVar aggregate classification (germline): Conflicting classifications of pathogenicity. Review status: criteria provided, conflicting classifications (1 of 4 stars). 8 submissions from 7 submitters: Uncertain significance (6); Likely benign (1). 1 of the submissions does not count toward it. Last evaluated 2025-06-01.

Conditions:
Spinocerebellar ataxia, autosomal recessive, with axonal neuropathy 2 (SCAN2). Also called: ATAXIA-OCULOMOTOR APRAXIA 2; Ataxia with Oculomotor Apraxia; Ataxia-ocular apraxia-2; Ataxia with Oculomotor Apraxia Type 2. Identifiers: Orphanet 64753, MedGen C1853761, MONDO:0018996, OMIM 606002.
Amyotrophic lateral sclerosis type 4 (ALS4). Also called: AMYOTROPHIC LATERAL SCLEROSIS 4, JUVENILE; NEURONOPATHY, DISTAL HEREDITARY MOTOR, WITH PYRAMIDAL FEATURES. Identifiers: Orphanet 357043, MedGen C1865409, MONDO:0011223, OMIM 602433.
Inborn genetic diseases. Identifiers: MedGen C0950123, MeSH D030342.
SETX-related disorder. Also called: SETX-related condition; SETX-related disorders. Identifiers: MedGen CN239403.

Allele frequency attached by ClinVar (database versions not stated): gnomAD 0.00002; TOPMed 0.00002; gnomAD exomes 0.00003.

Submissions (8):

Labcorp Genetics (formerly Invitae), Labcorp
Classification: Likely benign for Amyotrophic lateral sclerosis type 4; Spinocerebellar ataxia, autosomal recessive, with axonal neuropathy 2. Last evaluated: 2025-06-01. Review status: criteria provided, single submitter. Criteria: Invitae Variant Classification Sherloc (09022015). Collection method: clinical testing. Allele origin: germline.

Women's Health and Genetics/Laboratory Corporation of America, LabCorp
Classification: Uncertain significance. Last evaluated: 2025-03-18. Review status: criteria provided, single submitter. Criteria: LabCorp Variant Classification Summary - May 2015. Collection method: clinical testing. Allele origin: germline.
Comment: Variant summary: SETX c.7488C>G (p.Asp2496Glu) results in a conservative amino acid change in the encoded protein sequence. Five of five in-silico tools predict a benign effect of the variant on protein function. The variant allele was found at a frequency of 8e-06 in 251494 control chromosomes. The available data on variant occurrences in the general population are insufficient to allow any conclusion about variant significance. c.7488C>G has been reported in the literature in at least one individual affected with Amyotrophic lateral sclerosis type 4 (e.g., Ross_2024). However, these report(s) do not provide unequivocal conclusions about association of the variant with Amyotrophic lateral sclerosis type 4. To our knowledge, no experimental evidence demonstrating an impact on protein function has been reported. The following publication has been ascertained in the context of this evaluation (PMID: 37638500). ClinVar contains an entry for this variant (Variation ID: 1759125). Based on the evidence outlined above, the variant was classified as uncertain significance.

Blueprint Genetics
Classification: Uncertain significance. Last evaluated: 2023-10-10. Review status: criteria provided, single submitter. Criteria: ACMG Guidelines, 2015. Collection method: clinical testing. Allele origin: germline.

Ambry Genetics
Classification: Uncertain significance for Inborn genetic diseases. Last evaluated: 2023-10-03. Review status: criteria provided, single submitter. Criteria: Ambry Variant Classification Scheme 2023. Collection method: clinical testing. Allele origin: germline.

Genome-Nilou Lab
Classification: Uncertain significance for Spinocerebellar ataxia, autosomal recessive, with axonal neuropathy 2. Last evaluated: 2023-02-08. Review status: criteria provided, single submitter. Criteria: ACMG Guidelines, 2015. Collection method: clinical testing. Allele origin: germline.

Genome-Nilou Lab
Classification: Uncertain significance for Amyotrophic lateral sclerosis type 4. Last evaluated: 2023-02-08. Review status: criteria provided, single submitter. Criteria: ACMG Guidelines, 2015. Collection method: clinical testing. Allele origin: germline.

GeneDx
Classification: Uncertain significance. Last evaluated: 2022-11-30. Review status: criteria provided, single submitter. Criteria: GeneDx Variant Classification Process June 2021. Collection method: clinical testing. Allele origin: germline. Affected: yes.
Comment: Not observed at significant frequency in large population cohorts (gnomAD); In silico analysis supports that this missense variant does not alter protein structure/function; Has not been previously published as pathogenic or benign to our knowledge

PreventionGenetics, part of Exact Sciences
Classification: Uncertain significance for SETX-related condition. Last evaluated: 2024-06-05. Review status: no assertion criteria provided. Collection method: clinical testing. Allele origin: germline. Not counted in ClinVar's aggregate classification.
Comment: The SETX c.7488C>G variant is predicted to result in the amino acid substitution p.Asp2496Glu. To our knowledge, this variant has not been reported in the literature. This variant is reported in 0.0018% of alleles in individuals of European (Non-Finnish) descent in gnomAD. At this time, the clinical significance of this variant is uncertain due to the absence of conclusive functional and genetic evidence.

Literature cited by the submitters: PubMed 37638500 (cited by Women's Health and Genetics/Laboratory Corporation of America, LabCorp).

NM_015046.7(SETX):c.7488C>G (p.Asp2496Glu)

Gene: SETX (senataxin; minus strand). Cytogenetic location: 9q34.13.
Variant type: single nucleotide variant.
Coding change: c.7488C>G on transcript NM_015046.7 (MANE Select); coding-DNA position 7488, C replaced by G.
Protein change: p.Asp2496Glu; replaces aspartic acid 2496 with glutamic acid.
Molecular consequence: missense variant.
Genome position (GRCh38, 1-based): chr9:132,264,785, G>C on the plus strand (C>G on the coding strand, the complement: SETX is on the minus strand). VCF-style: chr9-132264785-G-C. GRCh37 (hg19) VCF-style: chr9-135140172-G-C.
Other names: c.7488C>G, p.Asp2496Glu (NM_001351527.2); c.7575C>G, p.Asp2525Glu (NM_001351528.2); short protein forms D2496E, D2525E.
Identifiers: ClinVar variation 1759125 (VCV001759125.9), dbSNP rs1240185024, ClinGen allele CA375325255.